The following is an entry in ClinVar:

ClinVar aggregate classification (germline): Benign (1 of 4 stars; one submission).

Conditions:
Neuroblastoma (NB). Identifiers: Orphanet 635, MedGen C0027819, MeSH D009447, MONDO:0005072, HP:0003006.

Allele frequency attached by ClinVar (database versions not stated): gnomAD exomes 0.00128; gnomAD 0.00620 and 0.00664; TOPMed 0.00672; 1000 Genomes Project 30x 0.00734; 1000 Genomes Project 0.00759.
gnomAD v4.1: 1,012 of 206,098 alleles (0.49%); highest among the groups gnomAD compares: African/African-American, 2.2%; 8 homozygotes.

Submission:

Illumina Laboratory Services, Illumina
Classification: Benign for Neuroblastoma. Last evaluated: 2018-01-12. Review status: criteria provided, single submitter. Criteria: ICSL Variant Classification Criteria 13 December 2019. Collection method: clinical testing. Allele origin: germline.
Comment: This variant was observed in the ICSL laboratory as part of a predisposition screen in an ostensibly healthy population. It had not been previously curated by ICSL or reported in the Human Gene Mutation Database (HGMD: prior to June 1st, 2018), and was therefore a candidate for classification through an automated scoring system. Utilizing variant allele frequency, disease prevalence and penetrance estimates, and inheritance mode, an automated score was calculated to assess if this variant is too frequent to cause the disease. Based on the score and internal cut-off values, a variant classified as benign is not then subjected to further curation. The score for this variant resulted in a classification of benign for this disease.

NM_001365951.3(KIF1B):c.*4894T>C

Gene: KIF1B (kinesin family member 1B; plus strand). Cytogenetic location: 1p36.22.
Variant type: single nucleotide variant.
Coding change: c.*4894T>C on transcript NM_001365951.3 (MANE Select); 4894 bases downstream of the stop codon, T replaced by C.
Molecular consequence: 3 prime UTR variant.
Genome position (GRCh38, 1-based): chr1:10,381,481, T>C. VCF-style: chr1-10381481-T-C. GRCh37 (hg19) VCF-style: chr1-10441539-T-C.
Other names: c.*4894T>C (NM_001365952.1, NM_015074.3).
Identifiers: ClinVar variation 874450 (VCV000874450.4), dbSNP rs77885116, ClinGen allele CA17860760.